The following is an entry in ClinVar:

ClinVar aggregate classification (germline): Uncertain significance. Review status: criteria provided, multiple submitters, no conflicts (2 of 4 stars). 2 submissions from 2 submitters: Uncertain significance (2). Last evaluated 2023-04-13.

Conditions:
Cardiovascular phenotype. Identifiers: MedGen CN230736.

Allele frequency attached by ClinVar (database versions not stated): gnomAD 0.00001 and 0.00002; TOPMed 0.00001; 1000 Genomes Project 30x 0.00016; 1000 Genomes Project 0.00020.
gnomAD v4.1: 5 of 1,550,662 alleles (0.00032%); highest among the groups gnomAD compares: African/African-American, 0.0068%; no homozygotes.

Submissions (2):

Ambry Genetics
Classification: Uncertain significance for Cardiovascular phenotype. Last evaluated: 2023-04-13. Review status: criteria provided, single submitter. Criteria: Ambry Variant Classification Scheme 2023. Collection method: clinical testing. Allele origin: germline.

Labcorp Genetics (formerly Invitae), Labcorp
Classification: Uncertain significance. Last evaluated: 2021-08-23. Review status: criteria provided, single submitter. Criteria: Invitae Variant Classification Sherloc (09022015). Collection method: clinical testing. Allele origin: germline.
Comment: This sequence change replaces valine with alanine at codon 2738 of the ZNF469 protein (p.Val2738Ala). The valine residue is weakly conserved and there is a small physicochemical difference between valine and alanine. This variant is present in population databases (rs529180104, ExAC 0.05%). This variant has not been reported in the literature in individuals affected with ZNF469-related conditions. Algorithms developed to predict the effect of missense changes on protein structure and function output the following: SIFT: "Tolerated"; PolyPhen-2: "Benign"; Align-GVGD: "Class C0". The alanine amino acid residue is found in multiple mammalian species, which suggests that this missense change does not adversely affect protein function. In summary, the available evidence is currently insufficient to determine the role of this variant in disease. Therefore, it has been classified as a Variant of Uncertain Significance.

NM_001367624.2(ZNF469):c.8297T>C (p.Val2766Ala)

Gene: ZNF469 (zinc finger protein 469; plus strand). Cytogenetic location: 16q24.2.
Variant type: single nucleotide variant.
Coding change: c.8297T>C on transcript NM_001367624.2 (MANE Select); coding-DNA position 8297, T replaced by C.
Protein change: p.Val2766Ala; replaces valine 2766 with alanine.
Molecular consequence: missense variant.
Genome position (GRCh38, 1-based): chr16:88,435,767, T>C. VCF-style: chr16-88435767-T-C. GRCh37 (hg19) VCF-style: chr16-88502175-T-C.
Other names: NM_001127464.1:c.8213T>C; short protein forms V2766A.
Identifiers: ClinVar variation 1348983 (VCV001348983.4), dbSNP rs529180104, ClinGen allele CA8225322.